The following is an entry in ClinVar:

ClinVar aggregate classification (germline): Uncertain significance. Review status: criteria provided, multiple submitters, no conflicts (2 of 4 stars). 2 submissions from 2 submitters: Uncertain significance (2). Last evaluated 2024-03-11.

Conditions:
Chronic infantile neurological, cutaneous and articular syndrome (CINCA). Also called: CRYOPYRIN-ASSOCIATED PERIODIC SYNDROME 3; CHRONIC NEUROLOGIC CUTANEOUS AND ARTICULAR SYNDROME; CINCA syndrome; Prieur Griscelli syndrome. Identifiers: Orphanet 1451, MedGen C0409818, MONDO:0011776, OMIM 607115.
Familial amyloid nephropathy with urticaria AND deafness (MWS). Also called: CRYOPYRIN-ASSOCIATED PERIODIC SYNDROME 2; UDA SYNDROME; URTICARIA-DEAFNESS-AMYLOIDOSIS SYNDROME; Urticaria, deafness and amyloidosis; MUCKLE-WELLS SYNDROME. Identifiers: Orphanet 575, MedGen C0268390, MONDO:0008633, OMIM 191900.
Familial cold autoinflammatory syndrome 1 (FCAS1). Also called: Familial cold inflammatory syndrome 1; CRYOPYRIN-ASSOCIATED PERIODIC SYNDROME 1. Identifiers: Orphanet 47045, MedGen C4551895, MONDO:0007349, OMIM 120100.

Submissions (2):

ARUP Laboratories, Molecular Genetics and Genomics, ARUP Laboratories
Classification: Uncertain significance. Last evaluated: 2024-03-11. Review status: criteria provided, single submitter. Criteria: ARUP Molecular Germline Variant Investigation Process 2024. Collection method: clinical testing. Allele origin: germline.
Comment: The NLRP3 c.2670-1G>A variant (rs910526305), also known as c.2664-1G>A for NM_001243133.1, to our knowledge, is not reported in the medical literature or gene specific databases. This variant is absent from the Genome Aggregation Database (v2.1.1), indicating it is not a common polymorphism. This variant disrupts the canonical splice acceptor site of intron 7, which is likely to negatively impact gene function. However, loss of function variants in NLRP3 are not an established mechanism of disease. Due to limited information, the clinical significance of this variant is uncertain at this time.

Department of Pathology and Laboratory Medicine, Sinai Health System
Classification: Uncertain significance for Chronic infantile neurological, cutaneous and articular syndrome; Familial amyloid nephropathy with urticaria AND deafness; Familial cold autoinflammatory syndrome 1. Last evaluated: 2022-11-29. Review status: criteria provided, single submitter. Criteria: ACMG Guidelines, 2015. Collection method: research. Allele origin: germline.

NM_001243133.2(NLRP3):c.2664-1G>A

Gene: NLRP3 (NLR family pyrin domain containing 3; plus strand). Cytogenetic location: 1q44.
Variant type: single nucleotide variant.
Coding change: c.2664-1G>A on transcript NM_001243133.2 (MANE Select); the canonical splice acceptor site of the intron before coding-DNA position 2664, G replaced by A.
Molecular consequence: splice acceptor variant.
Genome position (GRCh38, 1-based): chr1:247,443,971, G>A. VCF-style: chr1-247443971-G-A. GRCh37 (hg19) VCF-style: chr1-247607273-G-A.
Other names: c.2670-1G>A (NM_004895.5); c.2493-1G>A (NM_001127461.3, NM_001127462.3); c.2322-1G>A (NM_183395.3); c.2664-1G>A (NM_001079821.3).
Identifiers: ClinVar variation 3766508 (VCV003766508.2).